The following is an entry in ClinVar:

ClinVar aggregate classification (germline): Uncertain significance. Review status: criteria provided, multiple submitters, no conflicts (2 of 4 stars). 3 submissions from 3 submitters: Uncertain significance (3). Last evaluated 2025-06-14.

Conditions:
Hereditary breast ovarian cancer syndrome. Also called: Hereditary breast and/or ovarian cancer syndrome; Hereditary breast and ovarian cancer syndrome (HBOC); Breast and ovarian cancer; Hereditary breast and ovarian cancer; BRCA1- and BRCA2-Associated Hereditary Breast and Ovarian Cancer; Hereditary breast and ovarian cancer syndrome. Identifiers: Orphanet 145, MedGen C0677776, MeSH D061325, MONDO:0003582. Disease mechanism: loss of function.

Allele frequency attached by ClinVar (database versions not stated): gnomAD exomes below 0.00001 and 0.00002; TOPMed below 0.00001; ExAC 0.00001; gnomAD 0.00001.
gnomAD v4.1: 28 of 1,601,644 alleles (0.0017%); highest among the groups gnomAD compares: East Asian, 0.06%; no homozygotes.

Submissions (3):

Ambry Genetics
Classification: Uncertain significance. Last evaluated: 2025-06-14. Review status: criteria provided, single submitter. Criteria: Ambry Variant Classification Scheme 2023. Collection method: clinical testing. Allele origin: germline.
Comment: The p.L578F variant (also known as c.1732C>T), located in coding exon 13 of the RECQL gene, results from a C to T substitution at nucleotide position 1732. The leucine at codon 578 is replaced by phenylalanine, an amino acid with highly similar properties. This amino acid position is highly conserved in available vertebrate species. In addition, this alteration is predicted to be tolerated by in silico analysis. Since supporting evidence is limited at this time, the clinical significance of this alteration remains unclear.

Quest Diagnostics Nichols Institute San Juan Capistrano
Classification: Uncertain significance. Last evaluated: 2024-11-22. Review status: criteria provided, single submitter. Criteria: Quest Diagnostics criteria. Collection method: clinical testing. Allele origin: unknown.
Comment: The RECQL c.1732C>T (p.Leu578Phe) variant has not been reported in individuals with RECQL-related conditions in the published literature. The frequency of this variant in the general population, 0.0000041 (1/240966 chromosomes (Genome Aggregation Database)), is uninformative in the assessment of its pathogenicity. Analysis of this variant using bioinformatics tools for the prediction of the effect of amino acid changes on protein structure and function yielded conflicting predictions that this variant is deleterious or benign. Based on the available information, we are unable to determine the clinical significance of this variant.

Cancer Genomics Group, Japanese Foundation For Cancer Research
Classification: Uncertain significance for Hereditary breast and ovarian cancer syndrome. Last evaluated: 2019-05-01. Review status: criteria provided, single submitter. Criteria: ACMG Guidelines, 2015. Collection method: research. Allele origin: germline. Affected: yes.

NM_002907.4(RECQL):c.1732C>T (p.Leu578Phe)

Genes: PYROXD1 (pyridine nucleotide-disulphide oxidoreductase domain 1; plus strand), RECQL (RecQ like helicase; minus strand). Cytogenetic location: 12p12.1.
Variant type: single nucleotide variant.
Coding change: c.1732C>T on transcript NM_002907.4 (MANE Select); coding-DNA position 1732, C replaced by T.
Protein change: p.Leu578Phe; replaces leucine 578 with phenylalanine.
Molecular consequence: missense variant. On other transcripts: 3 prime UTR variant (3).
Genome position (GRCh38, 1-based): chr12:21,471,034, G>A on the plus strand (C>T on the coding strand, the complement: RECQL is on the minus strand). VCF-style: chr12-21471034-G-A. GRCh37 (hg19) VCF-style: chr12-21623968-G-A.
Other names: c.1732C>T, p.Leu578Phe (NM_032941.3); c.*2280G>A (NM_001350912.2, NM_001350913.2, NM_024854.5); short protein forms L578F.
Identifiers: ClinVar variation 830283 (VCV000830283.7), dbSNP rs777565272, ClinGen allele CA6478662.
Genomic context (GRCh38, chr12:21,471,034, plus strand): 5'-AAGAGTTCTGCGTGGACTTTGTCACTTGCATAGTAATAGCATGTGCCTCATTGTTCAGAA[G>A]ATTAGCTTTAGGTCCTATTTTCAAATACGAAATGGTAGCATAAGCTGTAAAACTGTAGTC-3'
Protein context (NP_002898.2, residues 568-588): SYLKIGPKAN[Leu578Phe]LNNEAHAITM